The following is an entry in ClinVar:

NM_018297.4(NGLY1):c.354G>C (p.Lys118Asn)

Gene: NGLY1 (N-glycanase 1; minus strand). Cytogenetic location: 3p24.2.
Variant type: single nucleotide variant.
Coding change: c.354G>C on transcript NM_018297.4 (MANE Select); coding-DNA position 354, G replaced by C.
Protein change: p.Lys118Asn; replaces lysine 118 with asparagine.
Molecular consequence: missense variant.
Genome position (GRCh38, 1-based): chr3:25,764,204, C>G on the plus strand (G>C on the coding strand, the complement: NGLY1 is on the minus strand). VCF-style: chr3-25764204-C-G. GRCh37 (hg19) VCF-style: chr3-25805695-C-G.
Other names: c.354G>C, p.Lys118Asn (NM_001145293.2, NM_001145295.2); c.228G>C, p.Lys76Asn (NM_001145294.2); c.354G>C (NM_018297.3); short protein forms K76N, K118N.
Identifiers: ClinVar variation 1039922 (VCV001039922.4), dbSNP rs752256415, ClinGen allele CA2289509.

ClinVar aggregate classification (germline): Uncertain significance. Review status: criteria provided, multiple submitters, no conflicts (2 of 4 stars). 3 submissions from 3 submitters: Uncertain significance (3). Last evaluated 2023-08-17.

Conditions:
Congenital disorder of deglycosylation 1. Also called: NGLY1-deficiency; NGLY1-Related Congenital Disorder of Deglycosylation. Identifiers: Orphanet 404454, MedGen CN306977, MONDO:0800044, OMIM 615273.
Congenital disorder of deglycosylation (CDDG). Identifiers: MedGen C3808991, MONDO:0031376.

Allele frequency attached by ClinVar (database versions not stated): gnomAD 0.00001 and 0.00002; gnomAD exomes 0.00001 and 0.00005; TOPMed 0.00002; ExAC 0.00003.
gnomAD v4.1: 20 of 1,613,952 alleles (0.0012%); highest among the groups gnomAD compares: Admixed American, 0.028%; 1 homozygote.

Submissions (3):

GeneDx
Classification: Uncertain significance. Last evaluated: 2023-08-17. Review status: criteria provided, single submitter. Criteria: GeneDx Variant Classification Process June 2021. Collection method: clinical testing. Allele origin: germline. Affected: yes.
Comment: In silico analysis supports that this missense variant does not alter protein structure/function; Has not been previously published as pathogenic or benign to our knowledge

Labcorp Genetics (formerly Invitae), Labcorp
Classification: Uncertain significance for Congenital disorder of deglycosylation. Last evaluated: 2022-08-22. Review status: criteria provided, single submitter. Criteria: Invitae Variant Classification Sherloc (09022015). Collection method: clinical testing. Allele origin: germline.
Comment: This sequence change replaces lysine, which is basic and polar, with asparagine, which is neutral and polar, at codon 118 of the NGLY1 protein (p.Lys118Asn). This variant is present in population databases (rs752256415, gnomAD 0.03%). This variant has not been reported in the literature in individuals affected with NGLY1-related conditions. ClinVar contains an entry for this variant (Variation ID: 1039922). Algorithms developed to predict the effect of missense changes on protein structure and function output the following: SIFT: "Tolerated"; PolyPhen-2: "Benign"; Align-GVGD: "Class C0". The asparagine amino acid residue is found in multiple mammalian species, which suggests that this missense change does not adversely affect protein function. In summary, the available evidence is currently insufficient to determine the role of this variant in disease. Therefore, it has been classified as a Variant of Uncertain Significance.

Fulgent Genetics
Classification: Uncertain significance for Congenital disorder of deglycosylation 1. Last evaluated: 2022-01-15. Review status: criteria provided, single submitter. Criteria: ACMG Guidelines, 2015. Collection method: clinical testing. Allele origin: unknown.